The following is an entry in ClinVar:

ClinVar aggregate classification (germline): Conflicting classifications of pathogenicity. Review status: criteria provided, conflicting classifications (1 of 4 stars). 2 submissions from 2 submitters: Likely pathogenic (1); Uncertain significance (1). Last evaluated 2026-09-17.

Conditions:
NALCN-related disorder. Also called: NALCN-related disorders; NALCN-related condition.

Submissions (2):

PreventionGenetics, part of Exact Sciences
Classification: Likely pathogenic for NALCN-related condition. Last evaluated: 2026-09-17. Review status: criteria provided, single submitter. Criteria: ACMG Guidelines, 2015. Collection method: clinical testing. Allele origin: germline.
Comment: The NALCN c.521C>T variant is predicted to result in the amino acid substitution p.Ser174Leu. To our knowledge, this variant has not been reported in the literature or in a large population database (gnomAD), indicating this variant is rare. We interpret this variant as likely pathogenic.

GeneDx
Classification: Uncertain significance. Last evaluated: 2025-07-02. Review status: criteria provided, single submitter. Criteria: GeneDx Variant Classification Process June 2021. Collection method: clinical testing. Allele origin: germline. Affected: yes.
Comment: Not observed at significant frequency in large population cohorts (gnomAD); In silico analysis supports that this missense variant has a deleterious effect on protein structure/function; Has not been previously published as pathogenic or benign to our knowledge

NM_052867.4(NALCN):c.521C>T (p.Ser174Leu)

Gene: NALCN (sodium leak channel, non-selective; minus strand). Cytogenetic location: 13q33.1.
Variant type: single nucleotide variant.
Coding change: c.521C>T on transcript NM_052867.4 (MANE Select); coding-DNA position 521, C replaced by T.
Protein change: p.Ser174Leu; replaces serine 174 with leucine.
Molecular consequence: missense variant.
Genome position (GRCh38, 1-based): chr13:101,376,823, G>A on the plus strand (C>T on the coding strand, the complement: NALCN is on the minus strand). VCF-style: chr13-101376823-G-A. GRCh37 (hg19) VCF-style: chr13-102029174-G-A.
Other names: c.521C>T, p.Ser174Leu (NM_001350748.2, NM_001350749.2, NM_001350750.2 and 1 more transcripts); short protein forms S174L.
Identifiers: ClinVar variation 4681038 (VCV004681038.2).
Genomic context (GRCh38, chr13:101,376,823, plus strand): 5'-ATTCCATAAAGAAGTAGAAAGAAAAGTAGAAAAATGGAAACACTCCATATTTGTTCTCCC[G>A]ATCGCCTAGAGAAACAAAAGTAGGTAAAGTACATAAAACTTACAAAAAACTTCATAAACT-3'
Protein context (NP_443099.1, residues 164-184): RTRITNILKR[Ser174Leu]GEQIWSVSIF